The following is an entry in ClinVar:

NM_001375524.1(TRRAP):c.10213A>G (p.Met3405Val)

Gene: TRRAP (transformation/transcription domain associated protein; plus strand). Cytogenetic location: 7q22.1.
Variant type: single nucleotide variant.
Coding change: c.10213A>G on transcript NM_001375524.1 (MANE Select); coding-DNA position 10213, A replaced by G.
Protein change: p.Met3405Val; replaces methionine 3405 with valine.
Molecular consequence: missense variant.
Genome position (GRCh38, 1-based): chr7:98,994,752, A>G. VCF-style: chr7-98994752-A-G. GRCh37 (hg19) VCF-style: chr7-98592375-A-G.
Other names: c.10171A>G, p.Met3391Val (NM_001244580.2); c.10084A>G, p.Met3362Val (NM_003496.4); short protein forms M3362V, M3391V, M3405V.
Identifiers: ClinVar variation 4881302 (VCV004881302.2).

ClinVar aggregate classification (germline): Uncertain significance (1 of 4 stars; one submission).

Submission:

Dasa
Classification: Uncertain significance. Last evaluated: 2025-02-03. Review status: criteria provided, single submitter. Criteria: DASA Assertion Criteria. Collection method: clinical testing. Allele origin: germline.
Comment: NM_001375524.1(TRRAP):c.10213A>G (p.Met3405Val) is a missense variant that results in the substitution of methionine with valine. This variant is rare in population databases. Computational prediction algorithms are consistent with a benign effect. The currently available literature and clinical evidence are not sufficient to establish a definitive association between this variant and the reported condition. Therefore, this variant is classified as a variant of uncertain significance.